The following is an entry in ClinVar:

ClinVar aggregate classification (germline): Uncertain significance (1 of 4 stars; one submission).

gnomAD v4.1: 1 of 1,613,970 alleles (0.000062%); highest among the groups gnomAD compares: Non-Finnish European, 0.000085%; no homozygotes.

Submission:

GeneDx
Classification: Uncertain significance. Last evaluated: 2025-04-17. Review status: criteria provided, single submitter. Criteria: GeneDx Variant Classification Process June 2021. Collection method: clinical testing. Allele origin: germline. Affected: yes.
Comment: Not observed at significant frequency in large population cohorts (gnomAD); In silico analysis indicates that this missense variant does not alter protein structure/function; Has not been previously published as pathogenic or benign to our knowledge

NM_006186.4(NR4A2):c.521C>G (p.Ser174Cys)

Gene: NR4A2 (nuclear receptor subfamily 4 group A member 2; minus strand). Cytogenetic location: 2q24.1.
Variant type: single nucleotide variant.
Coding change: c.521C>G on transcript NM_006186.4 (MANE Select); coding-DNA position 521, C replaced by G.
Protein change: p.Ser174Cys; replaces serine 174 with cysteine.
Molecular consequence: missense variant.
Genome position (GRCh38, 1-based): chr2:156,329,666, G>C on the plus strand (C>G on the coding strand, the complement: NR4A2 is on the minus strand). VCF-style: chr2-156329666-G-C. GRCh37 (hg19) VCF-style: chr2-157186178-G-C.
Other names: c.332C>G, p.Ser111Cys (NM_173173.3); short protein forms S111C, S174C.
Identifiers: ClinVar variation 4282303 (VCV004282303.1).